The following is an entry in ClinVar:

NM_015338.6(ASXL1):c.3323T>G (p.Val1108Gly)

Gene: ASXL1 (ASXL transcriptional regulator 1; plus strand). Cytogenetic location: 20q11.21.
Variant type: single nucleotide variant.
Coding change: c.3323T>G on transcript NM_015338.6 (MANE Select); coding-DNA position 3323, T replaced by G.
Protein change: p.Val1108Gly; replaces valine 1108 with glycine.
Molecular consequence: missense variant.
Genome position (GRCh38, 1-based): chr20:32,436,035, T>G. VCF-style: chr20-32436035-T-G. GRCh37 (hg19) VCF-style: chr20-31023838-T-G.
Other names: c.3140T>G, p.Val1047Gly (NM_001363734.1); short protein forms V1047G, V1108G.
Identifiers: ClinVar variation 1356676 (VCV001356676.8), dbSNP rs1454365420, ClinGen allele CA408562819.

ClinVar aggregate classification (germline): Uncertain significance (1 of 4 stars; one submission).

Submission:

Labcorp Genetics (formerly Invitae), Labcorp
Classification: Uncertain significance. Last evaluated: 2022-02-10. Review status: criteria provided, single submitter. Criteria: Invitae Variant Classification Sherloc (09022015). Collection method: clinical testing. Allele origin: germline.
Comment: This sequence change replaces valine, which is neutral and non-polar, with glycine, which is neutral and non-polar, at codon 1108 of the ASXL1 protein (p.Val1108Gly). This variant is not present in population databases (gnomAD no frequency). This variant has not been reported in the literature in individuals affected with ASXL1-related conditions. Algorithms developed to predict the effect of missense changes on protein structure and function (SIFT, PolyPhen-2, Align-GVGD) all suggest that this variant is likely to be tolerated. In summary, the available evidence is currently insufficient to determine the role of this variant in disease. Therefore, it has been classified as a Variant of Uncertain Significance.